The following is an entry in ClinVar:

ClinVar aggregate classification (germline): Uncertain significance (1 of 4 stars; one submission).

gnomAD v4.1: 1 of 1,207,278 alleles (0.000083%); highest among the groups gnomAD compares: Non-Finnish European, 0.00011%; no homozygotes.

Submission:

GeneDx
Classification: Uncertain significance. Last evaluated: 2024-04-23. Review status: criteria provided, single submitter. Criteria: GeneDx Variant Classification Process June 2021. Collection method: clinical testing. Allele origin: germline. Affected: yes.
Comment: Not observed at significant frequency in large population cohorts (gnomAD); In silico analysis indicates that this missense variant does not alter protein structure/function; Has not been previously published as pathogenic or benign to our knowledge

NM_031407.7(HUWE1):c.5237T>G (p.Leu1746Arg)

Gene: HUWE1 (HECT, UBA and WWE domain containing E3 ubiquitin protein ligase 1; minus strand). Cytogenetic location: Xp11.22.
Variant type: single nucleotide variant.
Coding change: c.5237T>G on transcript NM_031407.7 (MANE Select); coding-DNA position 5237, T replaced by G.
Protein change: p.Leu1746Arg; replaces leucine 1746 with arginine.
Molecular consequence: missense variant.
Genome position (GRCh38, 1-based): chrX:53,583,841, A>C on the plus strand (T>G on the coding strand, the complement: HUWE1 is on the minus strand). VCF-style: chrX-53583841-A-C. GRCh37 (hg19) VCF-style: chrX-53610801-A-C.
Other names: short protein forms L1746R.
Identifiers: ClinVar variation 3372935 (VCV003372935.1).
Genomic context (GRCh38, chrX:53,583,841, plus strand): 5'-AGCATGCTCACGCAGGCCCGGATTAAAACAGTCACCATATCTTCTGTCAAGCCCTGGATC[A>C]GGATCTCCCCGATTTTTGTTTCCTCCAGGCTTGTCTCCTTTTCAGTGTTTGTACTCTCTA-3'
Protein context (NP_113584.3, residues 1736-1756): SLEETKIGEI[Leu1746Arg]IQGLTEDMVT